The following is an entry in ClinVar:

ClinVar aggregate classification (germline): Likely pathogenic (1 of 4 stars; one submission).

Conditions:
Meckel-Gruber syndrome. Also called: DYSENCEPHALIA SPLANCHNOCYSTICA; GRUBER SYNDROME; Dysencephalia splachnocystica. Identifiers: Orphanet 564, MedGen C0265215, MONDO:0018921.
Joubert syndrome. Also called: CEREBELLOPARENCHYMAL DISORDER IV; JOUBERT-BOLTSHAUSER SYNDROME; Familial aplasia of the vermis. Identifiers: Orphanet 475, MedGen C5979921, MONDO:0018772.

Submission:

Labcorp Genetics (formerly Invitae), Labcorp
Classification: Likely pathogenic for Joubert syndrome; Meckel-Gruber syndrome. Last evaluated: 2021-08-09. Review status: criteria provided, single submitter. Criteria: Invitae Variant Classification Sherloc (09022015). Collection method: clinical testing. Allele origin: germline.
Comment: This variant results in the deletion of part of exon 24 of the RPGRIP1L gene. It is expected to disrupt RNA splicing. Variants that disrupt the donor or acceptor splice site typically lead to a loss of protein function (PMID: 16199547), and loss-of-function variants in RPGRIP1L are known to be pathogenic (PMID: 17558409). This variant is not present in population databases (ExAC no frequency). This variant has not been reported in the literature in individuals affected with RPGRIP1L-related conditions. Algorithms developed to predict the effect of sequence changes on RNA splicing suggest that this variant may disrupt the consensus splice site. In summary, the currently available evidence indicates that the variant is pathogenic, but additional data are needed to prove that conclusively. Therefore, this variant has been classified as Likely Pathogenic.

Literature cited by the submitters: PubMed 16199547; PubMed 17558409.

NM_015272.5(RPGRIP1L):c.3433-7_3436del

Gene: RPGRIP1L (RPGRIP1 like; minus strand). Cytogenetic location: 16q12.2.
Variant type: Deletion.
Coding change: c.3433-7_3436del on transcript NM_015272.5 (MANE Select); 7 bases into the intron before coding-DNA position 3433 through coding-DNA position 3436, 11 bases deleted (TAAACAGCCAT).
Molecular consequence: splice acceptor variant.
Genome position (GRCh38, 1-based): chr16:53,619,205-53,619,215, ATGGCTGTTTA deleted on the plus strand (TAAACAGCCAT on the coding strand, the reverse complement: RPGRIP1L is on the minus strand); deleting any 11 consecutive bases within chr16:53,619,205-53,619,216 gives the same sequence; the c. name uses the placement nearest the transcript's 3' end. VCF-style (leftmost placement, unchanged base first): chr16-53619204-GATGGCTGTTTA-G. GRCh37 (hg19) VCF-style: chr16-53653116-GATGGCTGTTTA-G.
Other names: c.3193-7_3196del (NM_001127897.4); c.3331-7_3334del (NM_001330538.2); c.3295-7_3298del (NM_001308334.3).
Identifiers: ClinVar variation 1504935 (VCV001504935.6), dbSNP rs2150964847, ClinGen allele CA2573152464.